The following is an entry in ClinVar:

ClinVar aggregate classification (germline): Likely benign. Review status: criteria provided, single submitter (1 of 4 stars). 2 submissions from 2 submitters: Likely benign (1). 1 of the submissions does not count toward it. Last evaluated 2026-09-01.

Conditions:
TIAM1-related disorder. Also called: TIAM1-related condition.

Allele frequency attached by ClinVar (database versions not stated): ESP Exome Variant Server 0.00008; gnomAD exomes 0.00035; gnomAD 0.00058; TOPMed 0.00095; 1000 Genomes Project 0.00100; 1000 Genomes Project 30x 0.00109; ExAC 0.00137.
gnomAD v4.1: 584 of 1,606,882 alleles (0.036%); highest among the groups gnomAD compares: Admixed American, 0.92%; 7 homozygotes.

Submissions (2):

CeGaT Center for Human Genetics Tuebingen
Classification: Likely benign. Last evaluated: 2026-09-01. Review status: criteria provided, single submitter. Criteria: CeGaT Center For Human Genetics Tuebingen Variant Classification Criteria Version 2. Collection method: clinical testing. Allele origin: germline. Affected: yes. Observed: 13 variant alleles.
Comment: TIAM1: BP4, BP7

PreventionGenetics, part of Exact Sciences
Classification: Benign for TIAM1-related condition. Last evaluated: 2019-10-28. Review status: no assertion criteria provided. Collection method: clinical testing. Allele origin: germline. Not counted in ClinVar's aggregate classification.
Comment: This variant is classified as benign based on ACMG/AMP sequence variant interpretation guidelines (Richards et al. 2015 PMID: 25741868, with internal and published modifications).

NM_001353694.2(TIAM1):c.2844C>T (p.Ala948=)

Gene: TIAM1 (TIAM Rac1 associated GEF 1; minus strand). Cytogenetic location: 21q22.11.
Variant type: single nucleotide variant.
Coding change: c.2844C>T on transcript NM_001353694.2 (MANE Select); coding-DNA position 2844, C replaced by T.
Protein change: p.Ala948=; no amino-acid change (alanine 948 retained).
Molecular consequence: synonymous variant.
Genome position (GRCh38, 1-based): chr21:31,182,464, G>A on the plus strand (C>T on the coding strand, the complement: TIAM1 is on the minus strand). VCF-style: chr21-31182464-G-A. GRCh37 (hg19) VCF-style: chr21-32554781-G-A.
Other names: c.2844C>T, p.Ala948= (NM_001353686.2, NM_001353688.1, NM_001353689.1 and 5 more transcripts); c.2769C>T, p.Ala923= (NM_001353687.2).
Identifiers: ClinVar variation 3040290 (VCV003040290.9), dbSNP rs141677639, ClinGen allele CA9998041.